The following is an entry in ClinVar:

NM_006096.4(NDRG1):c.698+6G>T

Gene: NDRG1 (N-myc downstream regulated 1; minus strand). Cytogenetic location: 8q24.22.
Variant type: single nucleotide variant.
Coding change: c.698+6G>T on transcript NM_006096.4 (MANE Select); 6 bases into the intron after coding-DNA position 698, G replaced by T.
Molecular consequence: intron variant.
Genome position (GRCh38, 1-based): chr8:133,250,434, C>A on the plus strand (G>T on the coding strand, the complement: NDRG1 is on the minus strand). VCF-style: chr8-133250434-C-A. GRCh37 (hg19) VCF-style: chr8-134262677-C-A.
Other names: c.500+6G>T (NM_001258432.2, NM_001374847.1); c.455+6G>T (NM_001258433.2); c.749+6G>T (NM_001374844.1); c.698+6G>T (NM_001135242.2, NM_001374845.1, NM_001374846.1).
Identifiers: ClinVar variation 2156160 (VCV002156160.1), dbSNP rs779257447, ClinGen allele CA4886642.

ClinVar aggregate classification (germline): Uncertain significance (1 of 4 stars; one submission).

Conditions:
Charcot-Marie-Tooth disease type 4. Also called: Charcot-Marie-Tooth, Type 4; Charcot-Marie-Tooth disease, type IV. Identifiers: Orphanet 64749, MedGen C4082197, MONDO:0018995.

Allele frequency attached by ClinVar (database versions not stated): ExAC 0.00001; gnomAD 0.00001; gnomAD exomes 0.00001; TOPMed 0.00002.
gnomAD v4.1: 9 of 1,611,856 alleles (0.00056%); highest among the groups gnomAD compares: Non-Finnish European, 0.00076%; no homozygotes.

Submission:

Labcorp Genetics (formerly Invitae), Labcorp
Classification: Uncertain significance for Charcot-Marie-Tooth disease type 4. Last evaluated: 2022-01-05. Review status: criteria provided, single submitter. Criteria: Invitae Variant Classification Sherloc (09022015). Collection method: clinical testing. Allele origin: germline.
Comment: This sequence change falls in intron 10 of the NDRG1 gene. It does not directly change the encoded amino acid sequence of the NDRG1 protein. It affects a nucleotide within the consensus splice site. This variant is present in population databases (rs779257447, gnomAD 0.0009%). This variant has not been reported in the literature in individuals affected with NDRG1-related conditions. Variants that disrupt the consensus splice site are a relatively common cause of aberrant splicing (PMID: 17576681, 9536098). Algorithms developed to predict the effect of sequence changes on RNA splicing suggest that this variant is not likely to affect RNA splicing. In summary, the available evidence is currently insufficient to determine the role of this variant in disease. Therefore, it has been classified as a Variant of Uncertain Significance.

Literature cited by the submitters: PubMed 17576681; PubMed 9536098.